The following is an entry in ClinVar:

ClinVar aggregate classification (germline): Uncertain significance. Review status: criteria provided, multiple submitters, no conflicts (2 of 4 stars). 3 submissions from 3 submitters: Uncertain significance (3). Last evaluated 2024-10-28.

Conditions:
Hereditary cancer-predisposing syndrome. Also called: Neoplastic Syndromes, Hereditary; Hereditary Cancer Syndrome; Tumor predisposition; Hereditary neoplastic syndrome. Identifiers: Orphanet 140162, MedGen C0027672, MeSH D009386, MONDO:0015356.
Ataxia-telangiectasia syndrome (AT). Also called: Ataxia-telangiectasia, complementation group D; AT, COMPLEMENTATION GROUP C; Ataxia-telangiectasia, complementation group E; Cerebello-oculocutaneous telangiectasia; Immunodeficiency with ataxia telangiectasia; ATAXIA-TELANGIECTASIA, COMPLEMENTATION GROUP A. Identifiers: Orphanet 100, MedGen C0004135, MONDO:0008840, OMIM 208900.

Submissions (3):

Labcorp Genetics (formerly Invitae), Labcorp
Classification: Uncertain significance for Ataxia-telangiectasia syndrome. Last evaluated: 2024-10-28. Review status: criteria provided, single submitter. Criteria: Invitae Variant Classification Sherloc (09022015). Collection method: clinical testing. Allele origin: germline.
Comment: This sequence change replaces arginine, which is basic and polar, with glycine, which is neutral and non-polar, at codon 19 of the ATM protein (p.Arg19Gly). This variant is not present in population databases (gnomAD no frequency). This variant has not been reported in the literature in individuals affected with ATM-related conditions. ClinVar contains an entry for this variant (Variation ID: 584773). Invitae Evidence Modeling of protein sequence and biophysical properties (such as structural, functional, and spatial information, amino acid conservation, physicochemical variation, residue mobility, and thermodynamic stability) indicates that this missense variant is not expected to disrupt ATM protein function with a negative predictive value of 95%. In summary, the available evidence is currently insufficient to determine the role of this variant in disease. Therefore, it has been classified as a Variant of Uncertain Significance.

Ambry Genetics
Classification: Uncertain significance for Hereditary cancer-predisposing syndrome. Last evaluated: 2020-08-13. Review status: criteria provided, single submitter. Criteria: Ambry Variant Classification Scheme 2023. Collection method: clinical testing. Allele origin: germline.
Comment: The p.R19G variant (also known as c.55A>G), located in coding exon 1 of the ATM gene, results from an A to G substitution at nucleotide position 55. The arginine at codon 19 is replaced by glycine, an amino acid with dissimilar properties. This amino acid position is not well conserved in available vertebrate species. In addition, this alteration is predicted to be tolerated by in silico analysis. Since supporting evidence is limited at this time, the clinical significance of this alteration remains unclear.

Mendelics
Classification: Uncertain significance for Ataxia-telangiectasia syndrome. Last evaluated: 2018-07-02. Review status: criteria provided, single submitter. Criteria: Mendelics Assertion Criteria 2017. Collection method: clinical testing. Allele origin: unknown.

NM_000051.4(ATM):c.55A>G (p.Arg19Gly)

Gene: ATM (ATM serine/threonine kinase; plus strand). Cytogenetic location: 11q22.3.
Variant type: single nucleotide variant.
Coding change: c.55A>G on transcript NM_000051.4 (MANE Select); coding-DNA position 55, A replaced by G.
Protein change: p.Arg19Gly; replaces arginine 19 with glycine.
Molecular consequence: missense variant.
Genome position (GRCh38, 1-based): chr11:108,227,679, A>G. VCF-style: chr11-108227679-A-G. GRCh37 (hg19) VCF-style: chr11-108098406-A-G.
Other names: c.55A>G, p.Arg19Gly (NM_001351834.2, NM_001351835.2, NM_001351836.2); short protein forms R19G.
Identifiers: ClinVar variation 584773 (VCV000584773.7), dbSNP rs1565344118, ClinGen allele CA382519277.